The following is an entry in ClinVar:

ClinVar aggregate classification (germline): Uncertain significance (1 of 4 stars; one submission).

Conditions:
Hereditary cancer-predisposing syndrome. Also called: Neoplastic Syndromes, Hereditary; Tumor predisposition; Hereditary neoplastic syndrome; Hereditary Cancer Syndrome. Identifiers: Orphanet 140162, MedGen C0027672, MeSH D009386, MONDO:0015356.

Submission:

Ambry Genetics
Classification: Uncertain significance for Hereditary cancer-predisposing syndrome. Last evaluated: 2023-01-11. Review status: criteria provided, single submitter. Criteria: Ambry Variant Classification Scheme 2023. Collection method: clinical testing. Allele origin: germline.
Comment: The p.R476G variant (also known as c.1426A>G), located in coding exon 10 of the SDHA gene, results from an A to G substitution at nucleotide position 1426. The arginine at codon 476 is replaced by glycine, an amino acid with dissimilar properties. This amino acid position is conserved. In addition, this alteration is predicted to be tolerated by in silico analysis. Since supporting evidence is limited at this time, the clinical significance of this alteration remains unclear.

NM_004168.4(SDHA):c.1426A>G (p.Arg476Gly)

Gene: SDHA (succinate dehydrogenase complex flavoprotein subunit A; plus strand). Cytogenetic location: 5p15.33.
Variant type: single nucleotide variant.
Coding change: c.1426A>G on transcript NM_004168.4 (MANE Select); coding-DNA position 1426, A replaced by G.
Protein change: p.Arg476Gly; replaces arginine 476 with glycine.
Molecular consequence: missense variant.
Genome position (GRCh38, 1-based): chr5:236,593, A>G. VCF-style: chr5-236593-A-G. GRCh37 (hg19) VCF-style: chr5-236708-A-G.
Other names: c.1282A>G, p.Arg428Gly (NM_001294332.2); c.1426A>G, p.Arg476Gly (NM_001330758.2); short protein forms R476G, R428G.
Identifiers: ClinVar variation 2452800 (VCV002452800.2), dbSNP rs2126590724, ClinGen allele CA359014130.